The following is an entry in ClinVar:

NM_001099922.3(ALG13):c.1155T>G (p.Ile385Met)

Gene: ALG13 (ALG13 UDP-N-acetylglucosaminyltransferase subunit; plus strand). Cytogenetic location: Xq23.
Variant type: single nucleotide variant.
Coding change: c.1155T>G on transcript NM_001099922.3 (MANE Select); coding-DNA position 1155, T replaced by G.
Protein change: p.Ile385Met; replaces isoleucine 385 with methionine.
Molecular consequence: missense variant. On other transcripts: non-coding transcript variant (1).
Genome position (GRCh38, 1-based): chrX:111,718,179, T>G. VCF-style: chrX-111718179-T-G. GRCh37 (hg19) VCF-style: chrX-110961407-T-G.
Other names: c.843T>G, p.Ile281Met (NM_001257230.2, NM_001257234.2, NM_001257237.2 and 1 more transcripts); c.921T>G, p.Ile307Met (NM_001257231.2); c.1155T>G, p.Ile385Met (NM_001324292.2); short protein forms I281M, I307M, I385M.
Identifiers: ClinVar variation 3365093 (VCV003365093.2).
Genomic context (GRCh38, chrX:111,718,179, plus strand): 5'-GTACGAAATTCTCTATAAAGATGTGTTTGTTGTGGATGAAGAAGAGTTGAAGACTGCGAT[T>G]AAATTGTTTCGAAGTGGTTCTAAGAAGAACAGAAATAATGCTGTAACTGGAAGCGAGGAT-3'
Protein context (NP_001093392.1, residues 375-395): VVDEEELKTA[Ile385Met]KLFRSGSKKN

ClinVar aggregate classification (germline): Uncertain significance. Review status: criteria provided, multiple submitters, no conflicts (2 of 4 stars). 2 submissions from 2 submitters: Uncertain significance (2). Last evaluated 2025-05-12.

Conditions:
Developmental and epileptic encephalopathy, 36 (DEE36). Also called: Epileptic encephalopathy, early infantile, 36; ALG13-CDG; Congenital disorder of glycosylation, type Is. Identifiers: Orphanet 324422, MedGen C4317295, MONDO:0010472, OMIM 300884.

Submissions (2):

Labcorp Genetics (formerly Invitae), Labcorp
Classification: Uncertain significance for Developmental and epileptic encephalopathy, 36. Last evaluated: 2025-05-12. Review status: criteria provided, single submitter. Criteria: Invitae Variant Classification Sherloc (09022015). Collection method: clinical testing. Allele origin: germline.
Comment: This sequence change replaces isoleucine, which is neutral and non-polar, with methionine, which is neutral and non-polar, at codon 385 of the ALG13 protein (p.Ile385Met). This variant is not present in population databases (gnomAD no frequency). This variant has not been reported in the literature in individuals affected with ALG13-related conditions. ClinVar contains an entry for this variant (Variation ID: 3365093). Invitae Evidence Modeling of protein sequence and biophysical properties (such as structural, functional, and spatial information, amino acid conservation, physicochemical variation, residue mobility, and thermodynamic stability) indicates that this missense variant is not expected to disrupt ALG13 protein function with a negative predictive value of 95%. In summary, the available evidence is currently insufficient to determine the role of this variant in disease. Therefore, it has been classified as a Variant of Uncertain Significance.

GeneDx
Classification: Uncertain significance. Last evaluated: 2023-12-05. Review status: criteria provided, single submitter. Criteria: GeneDx Variant Classification Process June 2021. Collection method: clinical testing. Allele origin: germline. Affected: yes.
Comment: Not observed at significant frequency in large population cohorts (gnomAD); In silico analysis supports that this missense variant does not alter protein structure/function; Has not been previously published as pathogenic or benign to our knowledge